The following is an entry in ClinVar:

NM_018194.6(HHAT):c.1107G>A (p.Ala369=)

Gene: HHAT (hedgehog acyltransferase; plus strand). Cytogenetic location: 1q32.2.
Variant type: single nucleotide variant.
Coding change: c.1107G>A on transcript NM_018194.6 (MANE Select); coding-DNA position 1107, G replaced by A.
Protein change: p.Ala369=; no amino-acid change (alanine 369 retained).
Molecular consequence: synonymous variant.
Genome position (GRCh38, 1-based): chr1:210,587,961, G>A. VCF-style: chr1-210587961-G-A. GRCh37 (hg19) VCF-style: chr1-210761305-G-A.
Other names: c.1107G>A, p.Ala369= (NM_001122834.4, NM_001170580.3); c.1107G>A (NM_018194.5); c.696G>A, p.Ala232= (NM_001170564.3); c.1110G>A, p.Ala370= (NM_001170587.3); c.912G>A, p.Ala304= (NM_001170588.3).
Identifiers: ClinVar variation 3016315 (VCV003016315.4), dbSNP rs755100445, ClinGen allele CA1379366.
Genomic context (GRCh38, chr1:210,587,961, plus strand): 5'-TGTGTACATTCCAGTGGGCGGGTCCCAGCATGGCCTGCTGGGGACACTGTTTTCCACGGC[G>A]ATGACATTTGCATTTGTGAGCTACTGGCATGGCGGCTACGACTACCTCTGGTGCTGGGCA-3'
Protein context (NP_060664.2, residues 359-379): HGLLGTLFST[Ala369=]MTFAFVSYWH

ClinVar aggregate classification (germline): Likely benign. Review status: criteria provided, multiple submitters, no conflicts (2 of 4 stars). 2 submissions from 2 submitters: Likely benign (2). Last evaluated 2026-02-26.

Conditions:
HHAT-related disorder. Also called: HHAT-related condition.

Allele frequency attached by ClinVar (database versions not stated): gnomAD 0.00001.
gnomAD v4.1: 15 of 1,614,046 alleles (0.00093%); highest among the groups gnomAD compares: East Asian, 0.013%; no homozygotes.

Submissions (2):

PreventionGenetics, part of Exact Sciences
Classification: Likely benign for HHAT-related condition. Last evaluated: 2026-02-26. Review status: criteria provided, single submitter. Criteria: ACMG Guidelines, 2015. Collection method: clinical testing. Allele origin: germline.
Comment: This variant is classified as likely benign based on ACMG/AMP sequence variant interpretation guidelines (Richards et al. 2015 PMID: 25741868, with internal and published modifications).

Labcorp Genetics (formerly Invitae), Labcorp
Classification: Likely benign. Last evaluated: 2023-12-07. Review status: criteria provided, single submitter. Criteria: Invitae Variant Classification Sherloc (09022015). Collection method: clinical testing. Allele origin: germline.